The following is an entry in ClinVar:

ClinVar aggregate classification (germline): Uncertain significance (1 of 4 stars; one submission).

Allele frequency attached by ClinVar (database versions not stated): gnomAD exomes below 0.00001; gnomAD 0.00001; TOPMed 0.00001.
gnomAD v4.1: 2 of 1,574,914 alleles (0.00013%); highest among the groups gnomAD compares: Non-Finnish European, 0.00017%; no homozygotes.

Submission:

Labcorp Genetics (formerly Invitae), Labcorp
Classification: Uncertain significance. Last evaluated: 2023-09-29. Review status: criteria provided, single submitter. Criteria: Invitae Variant Classification Sherloc (09022015). Collection method: clinical testing. Allele origin: germline.
Comment: An algorithm developed to predict the effect of missense changes on protein structure and function (PolyPhen-2) suggests that this variant is likely to be disruptive. In summary, the available evidence is currently insufficient to determine the role of this variant in disease. Therefore, it has been classified as a Variant of Uncertain Significance. This variant has not been reported in the literature in individuals affected with IL6ST-related conditions. This variant is not present in population databases (gnomAD no frequency). This sequence change replaces tryptophan, which is neutral and slightly polar, with leucine, which is neutral and non-polar, at codon 269 of the IL6ST protein (p.Trp269Leu).

NM_002184.4(IL6ST):c.806G>T (p.Trp269Leu)

Gene: IL6ST (interleukin 6 cytokine family signal transducer; minus strand). Cytogenetic location: 5q11.2.
Variant type: single nucleotide variant.
Coding change: c.806G>T on transcript NM_002184.4 (MANE Select); coding-DNA position 806, G replaced by T.
Protein change: p.Trp269Leu; replaces tryptophan 269 with leucine.
Molecular consequence: missense variant. On other transcripts: 5 prime UTR variant (3), non-coding transcript variant (2).
Genome position (GRCh38, 1-based): chr5:55,963,359, C>A on the plus strand (G>T on the coding strand, the complement: IL6ST is on the minus strand). VCF-style: chr5-55963359-C-A. GRCh37 (hg19) VCF-style: chr5-55259187-C-A.
Other names: c.806G>T, p.Trp269Leu (NM_001190981.2, NM_001364275.2, NM_175767.3); c.596G>T, p.Trp199Leu (NM_001364276.2); c.-108G>T (NM_001364277.2, NM_001364279.2); c.-98G>T (NM_001364278.2); short protein forms W269L, W199L.
Identifiers: ClinVar variation 2957469 (VCV002957469.3), dbSNP rs1308481458, ClinGen allele CA359766149.